The following is an entry in ClinVar:

ClinVar aggregate classification (germline): Uncertain significance (1 of 4 stars; one submission).

Conditions:
Intellectual developmental disorder, X-linked 1. Also called: Atkin Flaitz Patil Smith syndrome; MENTAL RETARDATION, X-LINKED 18; MENTAL RETARDATION, X-LINKED 78; Intellectual disability, X-linked 1. Identifiers: Orphanet 777, MedGen C2931498, MONDO:0010656, OMIM 309530.

Submission:

3billion
Classification: Uncertain significance for Intellectual developmental disorder, X-linked 1. Last evaluated: 2023-10-23. Review status: criteria provided, single submitter. Criteria: ACMG Guidelines, 2015. Collection method: clinical testing. Allele origin: germline. Affected: yes.
Comment: The variant is not observed in the gnomAD v2.1.1 dataset. Predicted Consequence/Location: Missense variant In silico tool predictions suggest damaging effect of the variant on gene or gene product [REVEL: 0.62 (>=0.6, sensitivity 0.68 and specificity 0.92)]. Therefore, this variant is classified as VUS according to the recommendation of ACMG/AMP guideline.

NM_001111125.3(IQSEC2):c.2978A>C (p.His993Pro)

Gene: IQSEC2 (IQ motif and Sec7 domain ArfGEF 2; minus strand). Cytogenetic location: Xp11.22.
Variant type: single nucleotide variant.
Coding change: c.2978A>C on transcript NM_001111125.3 (MANE Select); coding-DNA position 2978, A replaced by C.
Protein change: p.His993Pro; replaces histidine 993 with proline.
Molecular consequence: missense variant.
Genome position (GRCh38, 1-based): chrX:53,241,821, T>G on the plus strand (A>C on the coding strand, the complement: IQSEC2 is on the minus strand). VCF-style: chrX-53241821-T-G. GRCh37 (hg19) VCF-style: chrX-53271003-T-G.
Other names: c.2978A>C, p.His993Pro (NM_001410736.1); c.2363A>C, p.His788Pro (NM_015075.2); short protein forms H788P, H993P.
Identifiers: ClinVar variation 3776038 (VCV003776038.1).